The following is an entry in ClinVar:

ClinVar aggregate classification (germline): Conflicting classifications of pathogenicity. Review status: criteria provided, conflicting classifications (1 of 4 stars). 4 submissions from 4 submitters: Uncertain significance (2); Likely benign (1). 1 of the submissions does not count toward it. Last evaluated 2024-09-23.

Conditions:
Hereditary breast ovarian cancer syndrome. Also called: Hereditary breast and ovarian cancer syndrome; Hereditary breast and ovarian cancer; Hereditary breast and ovarian cancer syndrome (HBOC); Breast and ovarian cancer; Hereditary breast and/or ovarian cancer syndrome; BRCA1- and BRCA2-Associated Hereditary Breast and Ovarian Cancer. Identifiers: Orphanet 145, MedGen C0677776, MeSH D061325, MONDO:0003582. Disease mechanism: loss of function.
Breast-ovarian cancer, familial, susceptibility to, 2 (BROVCA2). Also called: BRCA2 Hereditary Breast and Ovarian Cancer. Identifiers: Orphanet 145, MedGen C2675520, MONDO:0012933, OMIM 612555. Disease mechanism: loss of function.
Hereditary cancer-predisposing syndrome. Also called: Neoplastic Syndromes, Hereditary; Tumor predisposition; Hereditary Cancer Syndrome; Hereditary neoplastic syndrome. Identifiers: Orphanet 140162, MedGen C0027672, MeSH D009386, MONDO:0015356.

Submissions (4):

GeneDx
Classification: Uncertain significance. Last evaluated: 2024-09-23. Review status: criteria provided, single submitter. Criteria: GeneDx Variant Classification Process June 2021. Collection method: clinical testing. Allele origin: germline. Affected: yes.
Comment: Published functional studies demonstrate ability to fully rescue the lethality of Brca2-null mESCs and no sensitivity to DNA damaging agents, similar to wild-type (PMID: 33314489); Not observed at significant frequency in large population cohorts (gnomAD); In silico analysis supports that this missense variant has a deleterious effect on protein structure/function; Also known as 4010C>G; This variant is associated with the following publications: (PMID: 32377563, 29884841, 18627636, 35585550, 33314489)

University of Washington Department of Laboratory Medicine, University of Washington
Classification: Likely benign for Hereditary cancer-predisposing syndrome. Last evaluated: 2023-03-23. Review status: criteria provided, single submitter. Criteria: Dines et al. (Genet Med. 2020). Collection method: curation. Allele origin: germline.
Comment: Missense variant in a coldspot region where missense variants are very unlikely to be pathogenic (PMID:31911673).

BRCA2 exon 11 coldspot. Reclassification based on statistical prior probability.

Labcorp Genetics (formerly Invitae), Labcorp
Classification: Uncertain significance for Hereditary breast ovarian cancer syndrome. Last evaluated: 2018-03-19. Review status: criteria provided, single submitter. Criteria: Invitae Variant Classification Sherloc (09022015). Collection method: clinical testing. Allele origin: germline.
Comment: In summary, the available evidence is currently insufficient to determine the role of this variant in disease. Therefore, it has been classified as a Variant of Uncertain Significance. Algorithms developed to predict the effect of missense changes on protein structure and function do not agree on the potential impact of this missense change (SIFT: "Deleterious"; PolyPhen-2: "Benign"; Align-GVGD: "Class C0"). This variant has been reported in an individual affected with breast cancer (PMID: 18627636). This variant is also known as 4010C>G (S1261C) in the literature. ClinVar contains an entry for this variant (Variation ID: 51524). This variant is not present in population databases (ExAC no frequency). This sequence change replaces serine with cysteine at codon 1261 of the BRCA2 protein (p.Ser1261Cys). The serine residue is moderately conserved and there is a moderate physicochemical difference between serine and cysteine.

Breast Cancer Information Core (BIC) (BRCA2)
Classification: Uncertain significance for Breast-ovarian cancer, familial 2. Last evaluated: 2010-09-18. Review status: no assertion criteria provided. Collection method: clinical testing. Allele origin: germline. Affected: yes. Observed: 1 variant allele. Not counted in ClinVar's aggregate classification.

Literature cited by the submitters: PubMed 18627636 (cited by Labcorp Genetics (formerly Invitae), Labcorp).

NM_000059.4(BRCA2):c.3782C>G (p.Ser1261Cys)

Gene: BRCA2 (BRCA2 DNA repair associated; plus strand). Cytogenetic location: 13q13.1.
Variant type: single nucleotide variant.
Coding change: c.3782C>G on transcript NM_000059.4 (MANE Select); coding-DNA position 3782, C replaced by G.
Protein change: p.Ser1261Cys; replaces serine 1261 with cysteine.
Molecular consequence: missense variant.
Genome position (GRCh38, 1-based): chr13:32,338,137, C>G. VCF-style: chr13-32338137-C-G. GRCh37 (hg19) VCF-style: chr13-32912274-C-G.
Other names: short protein forms S1261C.
Identifiers: ClinVar variation 51524 (VCV000051524.12), dbSNP rs276174836, ClinGen allele CA018805.
Genomic context (GRCh38, chr13:32,338,137, plus strand): 5'-TTAGTGATATTGAGAATATTAGTGAGGAAACTTCTGCAGAGGTACATCCAATAAGTTTAT[C>G]TTCAAGTAAATGTCATGATTCTGTTGTTTCAATGTTTAAGATAGAAAATCATAATGATAA-3'
Protein context (NP_000050.3, residues 1251-1271): TSAEVHPISL[Ser1261Cys]SSKCHDSVVS